The following is an entry in ClinVar:

ClinVar aggregate classification (germline): Pathogenic (1 of 4 stars; one submission).

Conditions:
Familial cancer of breast. Also called: Hereditary breast cancer; BREAST CANCER, FAMILIAL; hereditary breast carcinoma. Identifiers: Orphanet 227535, MedGen C0346153, MONDO:0016419, OMIM 114480. Disease mechanism: loss of function.

Submission:

Myriad Genetics, Inc.
Classification: Pathogenic for Familial cancer of breast. Last evaluated: 2023-09-05. Review status: criteria provided, single submitter. Criteria: Myriad Autosomal Dominant, Autosomal Recessive and X-Linked Classification Criteria (2023). Collection method: clinical testing. Allele origin: unknown.
Comment: This variant is considered pathogenic. This variant creates a termination codon and is predicted to result in premature protein truncation.

NM_024675.4(PALB2):c.55G>T (p.Glu19Ter)

Gene: PALB2 (partner and localizer of BRCA2; minus strand). Cytogenetic location: 16p12.2.
Variant type: single nucleotide variant.
Coding change: c.55G>T on transcript NM_024675.4 (MANE Select); coding-DNA position 55, G replaced by T.
Protein change: p.Glu19Ter; replaces glutamic acid 19 with a stop codon.
Molecular consequence: nonsense. On other transcripts: 5 prime UTR variant (8), intron variant (4).
Genome position (GRCh38, 1-based): chr16:23,638,123, C>A on the plus strand (G>T on the coding strand, the complement: PALB2 is on the minus strand). VCF-style: chr16-23638123-C-A. GRCh37 (hg19) VCF-style: chr16-23649444-C-A.
Other names: c.55G>T, p.Glu19Ter (NM_001407297.1, NM_001407298.1, NM_001407299.1 and 3 more transcripts); c.-831G>T (NM_001407304.1, NM_001407305.1, NM_001407306.1 and 5 more transcripts); c.48+2987G>T (NM_001407314.1); c.-105+2987G>T (NM_001407313.1, NM_001407312.1); c.49-171G>T (NM_001407296.1); short protein forms E19*.
Identifiers: ClinVar variation 2673855 (VCV002673855.1), dbSNP rs2142461160, ClinGen allele CA395139966.